The following is an entry in ClinVar:

ClinVar aggregate classification (germline): Uncertain significance. Review status: criteria provided, multiple submitters, no conflicts (2 of 4 stars). 3 submissions from 3 submitters: Uncertain significance (3). Last evaluated 2026-02-19.

Conditions:
Familial thoracic aortic aneurysm and aortic dissection (TAAD). Also called: Thoracic aortic aneurysms and dissections. Identifiers: Orphanet 91387, MedGen C4707243, MONDO:0019625.
Shprintzen-Goldberg syndrome (SGS). Also called: SHPRINTZEN-GOLDBERG CRANIOSYNOSTOSIS SYNDROME; CRANIOSYNOSTOSIS WITH ARACHNODACTYLY AND ABDOMINAL HERNIAS; Marfanoid disorder with craniosynostosis type 1; Marfanoid craniosynostosis syndrome; Shprintzen-Goldberg marfanoid syndrome. Identifiers: Orphanet 2462, MedGen C1321551, MONDO:0008426, OMIM 182212.

gnomAD v4.1: 7 of 1,612,536 alleles (0.00043%); highest among the groups gnomAD compares: African/African-American, 0.0013%; no homozygotes.

Submissions (3):

Ambry Genetics
Classification: Uncertain significance for Familial thoracic aortic aneurysm and aortic dissection. Last evaluated: 2026-02-19. Review status: criteria provided, single submitter. Criteria: Ambry Variant Classification Scheme 2023. Collection method: clinical testing. Allele origin: germline.
Comment: The p.F405L variant (also known as c.1215C>G), located in coding exon 4 of the SKI gene, results from a C to G substitution at nucleotide position 1215. The phenylalanine at codon 405 is replaced by leucine, an amino acid with highly similar properties. This amino acid position is conserved. In addition, the in silico prediction for this alteration is inconclusive. Based on the available evidence, the clinical significance of this variant remains unclear.

Labcorp Genetics (formerly Invitae), Labcorp
Classification: Uncertain significance for Shprintzen-Goldberg syndrome. Last evaluated: 2021-06-19. Review status: criteria provided, single submitter. Criteria: Invitae Variant Classification Sherloc (09022015). Collection method: clinical testing. Allele origin: germline.
Comment: In summary, the available evidence is currently insufficient to determine the role of this variant in disease. Therefore, it has been classified as a Variant of Uncertain Significance. Advanced modeling of protein sequence and biophysical properties (such as structural, functional, and spatial information, amino acid conservation, physicochemical variation, residue mobility, and thermodynamic stability) performed at Invitae indicates that this missense variant is not expected to disrupt SKI protein function. This variant has not been reported in the literature in individuals with SKI-related conditions. This variant is not present in population databases (ExAC no frequency). This sequence change replaces phenylalanine with leucine at codon 405 of the SKI protein (p.Phe405Leu). The phenylalanine residue is highly conserved and there is a small physicochemical difference between phenylalanine and leucine.

GeneDx
Classification: Uncertain significance. Last evaluated: 2020-01-23. Review status: criteria provided, single submitter. Criteria: GeneDx Variant Classification Process June 2021. Collection method: clinical testing. Allele origin: germline. Affected: yes.
Comment: Has not been previously published as pathogenic or benign to our knowledge; Not observed in large population cohorts (Lek et al., 2016); In silico analysis, which includes protein predictors and evolutionary conservation, supports that this variant does not alter protein structure/function

NM_003036.4(SKI):c.1215C>G (p.Phe405Leu)

Gene: SKI (SKI proto-oncogene; plus strand). Cytogenetic location: 1p36.32.
Variant type: single nucleotide variant.
Coding change: c.1215C>G on transcript NM_003036.4 (MANE Select); coding-DNA position 1215, C replaced by G.
Protein change: p.Phe405Leu; replaces phenylalanine 405 with leucine.
Molecular consequence: missense variant.
Genome position (GRCh38, 1-based): chr1:2,303,843, C>G. VCF-style: chr1-2303843-C-G. GRCh37 (hg19) VCF-style: chr1-2235282-C-G.
Other names: short protein forms F405L.
Identifiers: ClinVar variation 1205282 (VCV001205282.12), dbSNP rs2100918174, ClinGen allele CA337954745.